The following is an entry in ClinVar:

NM_001142864.4(PIEZO1):c.5602C>G (p.Arg1868Gly)

Gene: PIEZO1 (piezo type mechanosensitive ion channel component 1 (Er blood group); minus strand). Cytogenetic location: 16q24.3.
Variant type: single nucleotide variant.
Coding change: c.5602C>G on transcript NM_001142864.4 (MANE Select); coding-DNA position 5602, C replaced by G.
Protein change: p.Arg1868Gly; replaces arginine 1868 with glycine.
Molecular consequence: missense variant.
Genome position (GRCh38, 1-based): chr16:88,721,232, G>C on the plus strand (C>G on the coding strand, the complement: PIEZO1 is on the minus strand). VCF-style: chr16-88721232-G-C. GRCh37 (hg19) VCF-style: chr16-88787640-G-C.
Other names: c.4144C>G, p.Arg1382Gly (NM_014745.1); short protein forms R1382G, R1868G.
Identifiers: ClinVar variation 2628387 (VCV002628387.1), dbSNP rs755738951, ClinGen allele CA397089986.

ClinVar aggregate classification (germline): Uncertain significance (1 of 4 stars; one submission).

Conditions:
PIEZO1-related disorder. Also called: PIEZO1-Related Disorders; PIEZO1-related condition.

Submission:

PreventionGenetics, part of Exact Sciences
Classification: Uncertain significance for PIEZO1-related condition. Last evaluated: 2022-09-27. Review status: criteria provided, single submitter. Criteria: ACMG Guidelines, 2015. Collection method: clinical testing. Allele origin: germline.
Comment: The PIEZO1 c.5602C>G variant is predicted to result in the amino acid substitution p.Arg1868Gly. To our knowledge, this variant has not been reported in the literature or in a large population database, indicating this variant is rare. At this time, the clinical significance of this variant is uncertain due to the absence of conclusive functional and genetic evidence.